The following is an entry in ClinVar:

ClinVar aggregate classification (germline): Uncertain significance (1 of 4 stars; one submission).

Conditions:
Hereditary cancer-predisposing syndrome. Also called: Neoplastic Syndromes, Hereditary; Tumor predisposition; Hereditary Cancer Syndrome; Hereditary neoplastic syndrome. Identifiers: Orphanet 140162, MedGen C0027672, MeSH D009386, MONDO:0015356.

Submission:

Color Diagnostics, LLC DBA Color Health
Classification: Uncertain significance for Hereditary cancer-predisposing syndrome. Last evaluated: 2023-11-13. Review status: criteria provided, single submitter. Criteria: ACMG Guidelines, 2015. Collection method: clinical testing. Allele origin: germline.
Comment: This missense variant replaces leucine with arginine at codon 1575 of the APC protein. Computational prediction suggests that this variant may have deleterious impact on protein structure and function (internally defined REVEL score threshold >= 0.7, PMID: 27666373). To our knowledge, functional studies have not been reported for this variant. This variant has not been reported in individuals affected with APC-related disorders in the literature. This variant has not been identified in the general population by the Genome Aggregation Database (gnomAD). The available evidence is insufficient to determine the role of this variant in disease conclusively. Therefore, this variant is classified as a Variant of Uncertain Significance.

NM_000038.6(APC):c.4724T>G (p.Leu1575Arg)

Gene: APC (APC regulator of Wnt signaling pathway; plus strand). Cytogenetic location: 5q22.2.
Variant type: single nucleotide variant.
Coding change: c.4724T>G on transcript NM_000038.6 (MANE Select); coding-DNA position 4724, T replaced by G.
Protein change: p.Leu1575Arg; replaces leucine 1575 with arginine.
Molecular consequence: missense variant. On other transcripts: non-coding transcript variant (2).
Genome position (GRCh38, 1-based): chr5:112,840,318, T>G. VCF-style: chr5-112840318-T-G. GRCh37 (hg19) VCF-style: chr5-112176015-T-G.
Other names: c.4724T>G, p.Leu1575Arg (NM_001127510.3, NM_001354895.2, NM_001407450.1); c.4670T>G, p.Leu1557Arg (NM_001127511.3); c.4778T>G, p.Leu1593Arg (NM_001354896.2, NM_001407447.1, NM_001407448.1 and 1 more transcripts); c.4754T>G, p.Leu1585Arg (NM_001354897.2); c.4649T>G, p.Leu1550Arg (NM_001354898.2); c.4640T>G, p.Leu1547Arg (NM_001354899.2); c.4601T>G, p.Leu1534Arg (NM_001354900.2); c.4547T>G, p.Leu1516Arg (NM_001354901.2, NM_001407453.1); and 11 more; short protein forms L1191R, L1415R, L1474R, L1484R, L1492R, L1534R, L1547R, L1557R.
Identifiers: ClinVar variation 2775064 (VCV002775064.2), dbSNP rs1765751495, ClinGen allele CA16031693.